The following is an entry in ClinVar:

ClinVar aggregate classification (germline): Conflicting classifications of pathogenicity. Review status: criteria provided, conflicting classifications (1 of 4 stars). 3 submissions from 3 submitters: Uncertain significance (2); Likely benign (1). Last evaluated 2024-12-02.

Conditions:
Severe combined immunodeficiency due to IKK2 deficiency. Also called: Immunodeficiency 15; IMMUNODEFICIENCY 15B. Identifiers: Orphanet 397787, MedGen C4747743, MONDO:0014267, OMIM 615592.

Allele frequency attached by ClinVar (database versions not stated): gnomAD exomes 0.00003 and 0.00006; ExAC 0.00005; ESP Exome Variant Server 0.00023; TOPMed 0.00024; gnomAD 0.00028 and 0.00029.
gnomAD v4.1: 92 of 1,589,626 alleles (0.0058%); highest among the groups gnomAD compares: African/African-American, 0.094%; no homozygotes.

Submissions (3):

Labcorp Genetics (formerly Invitae), Labcorp
Classification: Uncertain significance for Severe combined immunodeficiency due to IKK2 deficiency. Last evaluated: 2024-12-02. Review status: criteria provided, single submitter. Criteria: Invitae Variant Classification Sherloc (09022015). Collection method: clinical testing. Allele origin: germline.
Comment: This sequence change falls in intron 4 of the IKBKB gene. It does not directly change the encoded amino acid sequence of the IKBKB protein. It affects a nucleotide within the consensus splice site. This variant is present in population databases (rs17875678, gnomAD 0.09%). This variant has not been reported in the literature in individuals affected with IKBKB-related conditions. ClinVar contains an entry for this variant (Variation ID: 641287). Variants that disrupt the consensus splice site are a relatively common cause of aberrant splicing (PMID: 17576681, 9536098). Algorithms developed to predict the effect of sequence changes on RNA splicing suggest that this variant is not likely to affect RNA splicing. In summary, the available evidence is currently insufficient to determine the role of this variant in disease. Therefore, it has been classified as a Variant of Uncertain Significance.

Women's Health and Genetics/Laboratory Corporation of America, LabCorp
Classification: Uncertain significance. Last evaluated: 2024-01-28. Review status: criteria provided, single submitter. Criteria: LabCorp Variant Classification Summary - May 2015. Collection method: clinical testing. Allele origin: germline.

Blueprint Genetics
Classification: Likely benign. Last evaluated: 2023-06-02. Review status: criteria provided, single submitter. Criteria: ACMG Guidelines, 2015. Collection method: clinical testing. Allele origin: germline.

Literature cited by the submitters: PubMed 17576681 (cited by Labcorp Genetics (formerly Invitae), Labcorp); PubMed 9536098 (cited by Labcorp Genetics (formerly Invitae), Labcorp).

NM_001556.3(IKBKB):c.318+6G>T

Gene: IKBKB (inhibitor of nuclear factor kappa B kinase subunit beta; plus strand). Cytogenetic location: 8p11.21.
Variant type: single nucleotide variant.
Coding change: c.318+6G>T on transcript NM_001556.3 (MANE Select); 6 bases into the intron after coding-DNA position 318, G replaced by T.
Molecular consequence: intron variant.
Genome position (GRCh38, 1-based): chr8:42,290,279, G>T. VCF-style: chr8-42290279-G-T. GRCh37 (hg19) VCF-style: chr8-42147797-G-T.
Other names: c.141+6G>T (NM_001242778.2); c.126+6G>T (NM_001190720.3).
Identifiers: ClinVar variation 641287 (VCV000641287.9), dbSNP rs17875678, ClinGen allele CA4731619.